The following is an entry in ClinVar:

NM_005219.5(DIAPH1):c.3162C>A (p.Asn1054Lys)

Gene: DIAPH1 (diaphanous related formin 1; minus strand). Cytogenetic location: 5q31.3.
Variant type: single nucleotide variant.
Coding change: c.3162C>A on transcript NM_005219.5 (MANE Select); coding-DNA position 3162, C replaced by A.
Protein change: p.Asn1054Lys; replaces asparagine 1054 with lysine.
Molecular consequence: missense variant.
Genome position (GRCh38, 1-based): chr5:141,527,684, G>T on the plus strand (C>A on the coding strand, the complement: DIAPH1 is on the minus strand). VCF-style: chr5-141527684-G-T. GRCh37 (hg19) VCF-style: chr5-140907251-G-T.
Other names: c.3135C>A, p.Asn1045Lys (NM_001079812.3); c.3162C>A, p.Asn1054Lys (NM_001314007.2); short protein forms N1045K, N1054K.
Identifiers: ClinVar variation 932017 (VCV000932017.3), dbSNP rs1409823509, ClinGen allele CA361581729.

ClinVar aggregate classification (germline): Uncertain significance (1 of 4 stars; one submission).

Conditions:
Autosomal dominant nonsyndromic hearing loss 1. Also called: KONIGSMARK SYNDROME; DEAFNESS, AUTOSOMAL DOMINANT 1, WITH OR WITHOUT THROMBOCYTOPENIA. Identifiers: Orphanet 90635, MedGen C1852282, MONDO:0007424, OMIM 124900.

Submission:

Centre for Mendelian Genomics, University Medical Centre Ljubljana
Classification: Uncertain significance for Autosomal dominant nonsyndromic hearing loss 1. Last evaluated: 2019-03-24. Review status: criteria provided, single submitter. Criteria: ACMG Guidelines, 2015. Collection method: clinical testing. Allele origin: unknown. Affected: yes.
Comment: This variant was classified as: Uncertain significance. The following ACMG criteria were applied in classifying this variant: PM2.